The following is an entry in ClinVar:

NM_001854.4(COL11A1):c.1629+2T>C

Gene: COL11A1 (collagen type XI alpha 1 chain; minus strand). Cytogenetic location: 1p21.1.
Variant type: single nucleotide variant.
Coding change: c.1629+2T>C on transcript NM_001854.4 (MANE Select); the canonical splice donor site of the intron after coding-DNA position 1629, T replaced by C.
Molecular consequence: splice donor variant.
Genome position (GRCh38, 1-based): chr1:103,012,411, A>G on the plus strand (T>C on the coding strand, the complement: COL11A1 is on the minus strand). VCF-style: chr1-103012411-A-G. GRCh37 (hg19) VCF-style: chr1-103477967-A-G.
Other names: c.1512+2T>C (NM_001190709.2); c.1665+2T>C (NM_080629.3); c.1281+2T>C (NM_080630.4).
Identifiers: ClinVar variation 1523165 (VCV001523165.8), dbSNP rs2101890460, ClinGen allele CA341177096.

ClinVar aggregate classification (germline): Likely pathogenic (1 of 4 stars; one submission).

Submission:

Labcorp Genetics (formerly Invitae), Labcorp
Classification: Likely pathogenic. Last evaluated: 2024-10-23. Review status: criteria provided, single submitter. Criteria: Invitae Variant Classification Sherloc (09022015). Collection method: clinical testing. Allele origin: germline.
Comment: This sequence change affects a donor splice site in intron 14 of the COL11A1 gene. It is expected to disrupt RNA splicing. Variants that disrupt the donor or acceptor splice site typically lead to a loss of protein function (PMID: 16199547), and loss-of-function variants in COL11A1 are known to be pathogenic (PMID: 20513134, 21035103, 23922384, 25240749, 32427345, 32756486). This variant is not present in population databases (gnomAD no frequency). This variant has not been reported in the literature in individuals affected with COL11A1-related conditions. ClinVar contains an entry for this variant (Variation ID: 1523165). Algorithms developed to predict the effect of sequence changes on RNA splicing suggest that this variant may disrupt the consensus splice site. In summary, the currently available evidence indicates that the variant is pathogenic, but additional data are needed to prove that conclusively. Therefore, this variant has been classified as Likely Pathogenic.

Literature cited by the submitters: PubMed 16199547; PubMed 20513134; PubMed 21035103; PubMed 23922384; PubMed 25240749; PubMed 32427345; PubMed 32756486.